The following is an entry in ClinVar:

ClinVar aggregate classification (germline): Uncertain significance (1 of 4 stars; one submission).

Allele frequency attached by ClinVar (database versions not stated): gnomAD 0.00001; gnomAD exomes 0.00001 and 0.00002; ExAC 0.00002.
gnomAD v4.1: 5 of 1,442,798 alleles (0.00035%); highest among the groups gnomAD compares: Admixed American, 0.0029%; no homozygotes.

Submission:

Labcorp Genetics (formerly Invitae), Labcorp
Classification: Uncertain significance. Last evaluated: 2023-11-07. Review status: criteria provided, single submitter. Criteria: Invitae Variant Classification Sherloc (09022015). Collection method: clinical testing. Allele origin: germline.
Comment: This sequence change replaces proline, which is neutral and non-polar, with serine, which is neutral and polar, at codon 174 of the FZD2 protein (p.Pro174Ser). This variant is present in population databases (rs764673652, gnomAD 0.004%). This variant has not been reported in the literature in individuals affected with FZD2-related conditions. ClinVar contains an entry for this variant (Variation ID: 1360727). An algorithm developed to predict the effect of missense changes on protein structure and function (PolyPhen-2) suggests that this variant is likely to be tolerated. In summary, the available evidence is currently insufficient to determine the role of this variant in disease. Therefore, it has been classified as a Variant of Uncertain Significance.

NM_001466.4(FZD2):c.520C>T (p.Pro174Ser)

Gene: FZD2 (frizzled class receptor 2; plus strand). Cytogenetic location: 17q21.31.
Variant type: single nucleotide variant.
Coding change: c.520C>T on transcript NM_001466.4 (MANE Select); coding-DNA position 520, C replaced by T.
Protein change: p.Pro174Ser; replaces proline 174 with serine.
Molecular consequence: missense variant.
Genome position (GRCh38, 1-based): chr17:44,558,208, C>T. VCF-style: chr17-44558208-C-T. GRCh37 (hg19) VCF-style: chr17-42635576-C-T.
Other names: short protein forms P174S.
Identifiers: ClinVar variation 1360727 (VCV001360727.8), dbSNP rs764673652, ClinGen allele CA8604666.